The following is an entry in ClinVar:

ClinVar aggregate classification (germline): Likely benign (0 of 4 stars; one submission).

Conditions:
NDUFV3-related disorder. Also called: NDUFV3-related condition.

Allele frequency attached by ClinVar (database versions not stated): gnomAD exomes below 0.00001; TOPMed below 0.00001; ExAC 0.00002; gnomAD 0.00002.

Submission:

PreventionGenetics, part of Exact Sciences
Classification: Likely benign for NDUFV3-related condition. Last evaluated: 2019-07-30. Review status: no assertion criteria provided. Collection method: clinical testing. Allele origin: germline.
Comment: This variant is classified as likely benign based on ACMG/AMP sequence variant interpretation guidelines (Richards et al. 2015 PMID: 25741868, with internal and published modifications).

NM_021075.4(NDUFV3):c.*3G>A

Gene: NDUFV3 (NADH:ubiquinone oxidoreductase subunit V3; plus strand). Cytogenetic location: 21q22.3.
Variant type: single nucleotide variant.
Coding change: c.*3G>A on transcript NM_021075.4 (MANE Select); 3 bases downstream of the stop codon, G replaced by A.
Molecular consequence: 3 prime UTR variant.
Genome position (GRCh38, 1-based): chr21:42,909,024, G>A. VCF-style: chr21-42909024-G-A. GRCh37 (hg19) VCF-style: chr21-44329134-G-A.
Other names: c.*3G>A (NM_001001503.2).
Identifiers: ClinVar variation 3034910 (VCV003034910.2), dbSNP rs764260937, ClinGen allele CA10046771.